The following is an entry in ClinVar:

NM_017654.4(SAMD9):c.3425G>A (p.Gly1142Glu)

Gene: SAMD9 (sterile alpha motif domain containing 9; minus strand). Cytogenetic location: 7q21.2.
Variant type: single nucleotide variant.
Coding change: c.3425G>A on transcript NM_017654.4 (MANE Select); coding-DNA position 3425, G replaced by A.
Protein change: p.Gly1142Glu; replaces glycine 1142 with glutamic acid.
Molecular consequence: missense variant.
Genome position (GRCh38, 1-based): chr7:93,102,673, C>T on the plus strand (G>A on the coding strand, the complement: SAMD9 is on the minus strand). VCF-style: chr7-93102673-C-T. GRCh37 (hg19) VCF-style: chr7-92731986-C-T.
Other names: c.3425G>A, p.Gly1142Glu (NM_001193307.2); short protein forms G1142E.
Identifiers: ClinVar variation 4629862 (VCV004629862.1).

ClinVar aggregate classification (germline): Uncertain significance (1 of 4 stars; one submission).

Conditions:
Inborn genetic diseases. Identifiers: MedGen C0950123, MeSH D030342.

Submission:

Ambry Genetics
Classification: Uncertain significance for Inborn genetic diseases. Last evaluated: 2025-10-10. Review status: criteria provided, single submitter. Criteria: Ambry Variant Classification Scheme 2023. Collection method: clinical testing. Allele origin: germline.
Comment: The p.G1142E variant (also known as c.3425G>A), located in coding exon 1 of the SAMD9 gene, results from a G to A substitution at nucleotide position 3425. The glycine at codon 1142 is replaced by glutamic acid, an amino acid with similar properties. This amino acid position is conserved. In addition, this alteration is predicted to be tolerated by in silico analysis. Based on the available evidence, the clinical significance of this variant remains unclear.